The following is an entry in ClinVar:

NM_002181.4(IHH):c.540C>G (p.Tyr180Ter)

Gene: IHH (Indian hedgehog signaling molecule; minus strand). Cytogenetic location: 2q35.
Variant type: single nucleotide variant.
Coding change: c.540C>G on transcript NM_002181.4 (MANE Select); coding-DNA position 540, C replaced by G.
Protein change: p.Tyr180Ter; replaces tyrosine 180 with a stop codon.
Molecular consequence: nonsense.
Genome position (GRCh38, 1-based): chr2:219,057,470, G>C on the plus strand (C>G on the coding strand, the complement: IHH is on the minus strand). VCF-style: chr2-219057470-G-C. GRCh37 (hg19) VCF-style: chr2-219922192-G-C.
Other names: short protein forms Y180*.
Identifiers: ClinVar variation 2738245 (VCV002738245.3), dbSNP rs768257762, ClinGen allele CA2116690.

ClinVar aggregate classification (germline): Pathogenic (1 of 4 stars; one submission).

Allele frequency attached by ClinVar (database versions not stated): ExAC 0.00002.

Submission:

Labcorp Genetics (formerly Invitae), Labcorp
Classification: Pathogenic. Last evaluated: 2024-02-02. Review status: criteria provided, single submitter. Criteria: Invitae Variant Classification Sherloc (09022015). Collection method: clinical testing. Allele origin: germline.
Comment: This sequence change creates a premature translational stop signal (p.Tyr180*) in the IHH gene. While this is not anticipated to result in nonsense mediated decay, it is expected to disrupt the last 232 amino acid(s) of the IHH protein. This variant is present in population databases (rs768257762, gnomAD 0.001%). This variant has not been reported in the literature in individuals affected with IHH-related conditions. Algorithms developed to predict the effect of sequence changes on RNA splicing suggest that this variant may disrupt the consensus splice site. This variant disrupts a region of the IHH protein in which other variant(s) (p.Val317Met) have been determined to be pathogenic (PMID: 29155992, 32311039; Invitae). This suggests that this is a clinically significant region of the protein, and that variants that disrupt it are likely to be disease-causing. For these reasons, this variant has been classified as Pathogenic.

Literature cited by the submitters: PubMed 29155992; PubMed 32311039.